The following is an entry in ClinVar:

ClinVar aggregate classification (germline): Uncertain significance. Review status: criteria provided, multiple submitters, no conflicts (2 of 4 stars). 2 submissions from 2 submitters: Uncertain significance (2). Last evaluated 2023-08-17.

Conditions:
Neuropathy, hereditary sensory and autonomic, type 2A (HSAN2A). Also called: ACROOSTEOLYSIS, GIACCAI TYPE; ACROOSTEOLYSIS, NEUROGENIC; MORVAN DISEASE; NEUROPATHY, CONGENITAL SENSORY; NEUROPATHY, HEREDITARY SENSORY RADICULAR, AUTOSOMAL RECESSIVE; NEUROPATHY, HEREDITARY SENSORY, TYPE IIA. Identifiers: Orphanet 970, MedGen C2752089, MONDO:0024309, OMIM 201300.
Pseudohypoaldosteronism type 2C (PHA2C). Also called: Pseudohypoaldosteronism Type IIC. Identifiers: Orphanet 757, Orphanet 88940, MedGen C1840391, MONDO:0013778, OMIM 614492.

Allele frequency attached by ClinVar (database versions not stated): ExAC 0.00005; gnomAD exomes 0.00005.
gnomAD v4.1: 28 of 1,614,186 alleles (0.0017%); highest among the groups gnomAD compares: South Asian, 0.031%; 1 homozygote.

Submissions (2):

Women's Health and Genetics/Laboratory Corporation of America, LabCorp
Classification: Uncertain significance. Last evaluated: 2023-08-17. Review status: criteria provided, single submitter. Criteria: LabCorp Variant Classification Summary - May 2015. Collection method: clinical testing. Allele origin: germline.
Comment: Variant summary: WNK1 c.6935C>G (p.Ser2312Cys) results in a non-conservative amino acid change in the encoded protein sequence. Four of five in-silico tools predict a damaging effect of the variant on protein function. The variant allele was found at a frequency of 5.6e-05 in 251458 control chromosomes in the gnomAD database, including 1 homozygotes suggesting a benign role for this variant. To our knowledge, no occurrence of c.6935C>G in individuals affected with Neuropathy, Hereditary Sensory And Autonomic, Type 2A and no experimental evidence demonstrating its impact on protein function have been reported. No submitters have cited clinical-significance assessments for this variant to ClinVar after 2014. Based on the evidence outlined above, the variant was classified as uncertain significance.

Labcorp Genetics (formerly Invitae), Labcorp
Classification: Uncertain significance for Neuropathy, hereditary sensory and autonomic, type 2A; Pseudohypoaldosteronism type 2C. Last evaluated: 2022-12-23. Review status: criteria provided, single submitter. Criteria: Invitae Variant Classification Sherloc (09022015). Collection method: clinical testing. Allele origin: germline.
Comment: Algorithms developed to predict the effect of missense changes on protein structure and function are either unavailable or do not agree on the potential impact of this missense change (SIFT: "Deleterious"; PolyPhen-2: "Not Available"; Align-GVGD: "Class C0"). This variant has not been reported in the literature in individuals affected with WNK1-related conditions. This variant is present in population databases (rs763844475, gnomAD 0.05%), including at least one homozygous and/or hemizygous individual. This sequence change replaces serine, which is neutral and polar, with cysteine, which is neutral and slightly polar, at codon 2564 of the WNK1 protein (p.Ser2564Cys). In summary, the available evidence is currently insufficient to determine the role of this variant in disease. Therefore, it has been classified as a Variant of Uncertain Significance.

NM_018979.4(WNK1):c.6935C>G (p.Ser2312Cys)

Gene: WNK1 (WNK lysine deficient protein kinase 1; plus strand). Cytogenetic location: 12p13.33.
Variant type: single nucleotide variant.
Coding change: c.6935C>G on transcript NM_018979.4 (MANE Select); coding-DNA position 6935, C replaced by G.
Protein change: p.Ser2312Cys; replaces serine 2312 with cysteine.
Molecular consequence: missense variant.
Genome position (GRCh38, 1-based): chr12:908,578, C>G. VCF-style: chr12-908578-C-G. GRCh37 (hg19) VCF-style: chr12-1017744-C-G.
Other names: c.7715C>G, p.Ser2572Cys (NM_001184985.2); c.6191C>G, p.Ser2064Cys (NM_014823.3); c.7691C>G, p.Ser2564Cys (NM_213655.5); short protein forms S2064C, S2312C, S2564C, S2572C.
Identifiers: ClinVar variation 2581186 (VCV002581186.4), dbSNP rs763844475, ClinGen allele CA6383533.